The following is an entry in ClinVar:

ClinVar aggregate classification (germline): Uncertain significance (1 of 4 stars; one submission).

Submission:

Labcorp Genetics (formerly Invitae), Labcorp
Classification: Uncertain significance. Last evaluated: 2021-05-29. Review status: criteria provided, single submitter. Criteria: Invitae Variant Classification Sherloc (09022015). Collection method: clinical testing. Allele origin: germline.
Comment: In summary, the available evidence is currently insufficient to determine the role of this variant in disease. Therefore, it has been classified as a Variant of Uncertain Significance. Experimental studies and prediction algorithms are not available or were not evaluated, and the functional significance of this variant is currently unknown. This variant has not been reported in the literature in individuals with SLC9A3-related conditions. The frequency data for this variant in the population databases is considered unreliable, as metrics indicate insufficient coverage at this position in the ExAC database. This sequence change replaces leucine with arginine at codon 14 of the SLC9A3 protein (p.Leu14Arg). The leucine residue is weakly conserved and there is a moderate physicochemical difference between leucine and arginine.

NM_004174.4(SLC9A3):c.40_41inv (p.Leu14Arg)

Gene: SLC9A3 (solute carrier family 9 member A3). Cytogenetic location: 5p15.33.
Variant type: Inversion.
Coding change: c.40_41inv on transcript NM_004174.4 (MANE Select).
Protein change: p.Leu14Arg; replaces leucine 14 with arginine.
Molecular consequence: missense variant.
Genome position: GRCh38 VCF-style: chr5-524282-AG-CT. GRCh37 (hg19) VCF-style: chr5-524397-AG-CT.
Other names: c.40_41inv, p.Leu14Arg (NM_001284351.3); short protein forms L14R.
Identifiers: ClinVar variation 1464281 (VCV001464281.6), ClinGen allele CA2573139552.